The following is an entry in ClinVar:

ClinVar aggregate classification (germline): Pathogenic (1 of 4 stars; one submission).

Conditions:
3-methylcrotonyl-CoA carboxylase 1 deficiency (MCC1D). Also called: MCCD TYPE 1; METHYLCROTONYLGLYCINURIA TYPE I; MCC 1 deficiency; 3 Alpha methylcrotonylglycinuria 1. Identifiers: Orphanet 6, MedGen CN028786, MONDO:0008861, OMIM 210200.

Submission:

Labcorp Genetics (formerly Invitae), Labcorp
Classification: Pathogenic for 3-methylcrotonyl-CoA carboxylase 1 deficiency. Last evaluated: 2022-05-16. Review status: criteria provided, single submitter. Criteria: Invitae Variant Classification Sherloc (09022015). Collection method: clinical testing. Allele origin: germline.
Comment: This variant is a gross deletion of the genomic region encompassing exon(s) 2-3 of the MCCC1 gene. This deletion is out-of-frame, and is expected to create a premature termination codon and result in an absent or disrupted protein product. Loss-of-function variants in MCCC1 are known to be pathogenic (PMID: 11181649, 15359379, 22642865). This variant has not been reported in the literature in individuals affected with MCCC1-related conditions. For these reasons, this variant has been classified as Pathogenic.

Literature cited by the submitters: PubMed 11181649; PubMed 15359379; PubMed 22642865.

NC_000003.11:g.(?_182810187)_(182812403_?)del

Gene: MCCC1 (methylcrotonyl-CoA carboxylase subunit 1; minus strand). Cytogenetic location: 3q27.1.
Variant type: Deletion.
Identifiers: ClinVar variation 2426521 (VCV002426521.4).